The following is an entry in ClinVar:

ClinVar aggregate classification (germline): Conflicting classifications of pathogenicity. Review status: criteria provided, conflicting classifications (1 of 4 stars). 5 submissions from 5 submitters: Uncertain significance (1); Benign (1); Likely benign (3). Last evaluated 2026-01-24.

Conditions:
Usher syndrome type 2C. Also called: Usher syndrome, type 2B; USHER SYNDROME, TYPE IIC. Identifiers: Orphanet 231178, Orphanet 886, MedGen C2931213, MONDO:0011558, OMIM 605472.

Allele frequency attached by ClinVar (database versions not stated): gnomAD 0.00007 and 0.00011; gnomAD exomes 0.00007 and 0.00020; TOPMed 0.00009; ExAC 0.00020; 1000 Genomes Project 0.00040; 1000 Genomes Project 30x 0.00047.
gnomAD v4.1: 121 of 1,613,798 alleles (0.0075%); highest among the groups gnomAD compares: East Asian, 0.22%; no homozygotes.

Submissions (5):

Labcorp Genetics (formerly Invitae), Labcorp
Classification: Benign. Last evaluated: 2026-01-24. Review status: criteria provided, single submitter. Criteria: Invitae Variant Classification Sherloc (09022015). Collection method: clinical testing. Allele origin: germline.

Blueprint Genetics
Classification: Likely benign. Last evaluated: 2022-10-27. Review status: criteria provided, single submitter. Criteria: ACMG Guidelines, 2015. Collection method: clinical testing. Allele origin: germline.

GeneDx
Classification: Likely benign. Last evaluated: 2021-05-06. Review status: criteria provided, single submitter. Criteria: GeneDx Variant Classification Process June 2021. Collection method: clinical testing. Allele origin: germline. Affected: yes.

Illumina Laboratory Services, Illumina
Classification: Uncertain significance for Usher syndrome type 2C. Last evaluated: 2018-01-12. Review status: criteria provided, single submitter. Criteria: ICSL Variant Classification Criteria 13 December 2019. Collection method: clinical testing. Allele origin: germline.

Laboratory for Molecular Medicine, Mass General Brigham Personalized Medicine
Classification: Likely benign. Last evaluated: 2017-07-11. Review status: criteria provided, single submitter. Criteria: LMM Criteria. Collection method: clinical testing. Allele origin: germline. Observed: 1 variant allele.
Comment: p.Gln3538Gln in exon 51 of GPR98: This variant is not expected to have clinical significance because it does not alter an amino acid residue, and it is not loca ted within the splice consensus sequence, and it has been identified in 0.27% (5 1/18870) of East Asian chromosomes by the Genome Aggregation Database gnomAD; dbSNP rs182626712).

NM_032119.4(ADGRV1):c.10614A>G (p.Gln3538=)

Gene: ADGRV1 (adhesion G protein-coupled receptor V1; plus strand). Cytogenetic location: 5q14.3.
Variant type: single nucleotide variant.
Coding change: c.10614A>G on transcript NM_032119.4 (MANE Select); coding-DNA position 10614, A replaced by G.
Protein change: p.Gln3538=; no amino-acid change (glutamine 3538 retained).
Molecular consequence: synonymous variant. On other transcripts: non-coding transcript variant (1).
Genome position (GRCh38, 1-based): chr5:90,745,110, A>G. VCF-style: chr5-90745110-A-G. GRCh37 (hg19) VCF-style: chr5-90040927-A-G.
Identifiers: ClinVar variation 517478 (VCV000517478.19), dbSNP rs182626712, ClinGen allele CA3340798.